The following is an entry in ClinVar:

NM_006767.4(LZTR1):c.1274C>G (p.Pro425Arg)

Gene: LZTR1 (leucine zipper like post translational regulator 1; plus strand). Cytogenetic location: 22q11.21.
Variant type: single nucleotide variant.
Coding change: c.1274C>G on transcript NM_006767.4 (MANE Select); coding-DNA position 1274, C replaced by G.
Protein change: p.Pro425Arg; replaces proline 425 with arginine.
Molecular consequence: missense variant.
Genome position (GRCh38, 1-based): chr22:20,993,675, C>G. VCF-style: chr22-20993675-C-G. GRCh37 (hg19) VCF-style: chr22-21347964-C-G.
Other names: short protein forms P425R.
Identifiers: ClinVar variation 2447712 (VCV002447712.2), dbSNP rs1194561931, ClinGen allele CA410774321.

ClinVar aggregate classification (germline): Uncertain significance (1 of 4 stars; one submission).

Conditions:
Cardiovascular phenotype. Identifiers: MedGen CN230736.
Hereditary cancer-predisposing syndrome. Also called: Neoplastic Syndromes, Hereditary; Hereditary Cancer Syndrome; Tumor predisposition; Hereditary neoplastic syndrome. Identifiers: Orphanet 140162, MedGen C0027672, MeSH D009386, MONDO:0015356.

Submission:

Ambry Genetics
Classification: Uncertain significance for Cardiovascular phenotype; Hereditary cancer-predisposing syndrome. Last evaluated: 2022-12-05. Review status: criteria provided, single submitter. Criteria: Ambry Variant Classification Scheme 2023. Collection method: clinical testing. Allele origin: germline.
Comment: The p.P425R variant (also known as c.1274C>G), located in coding exon 12 of the LZTR1 gene, results from a C to G substitution at nucleotide position 1274. The proline at codon 425 is replaced by arginine, an amino acid with dissimilar properties. This amino acid position is conserved. In addition, this alteration is predicted to be deleterious by in silico analysis. Since supporting evidence is limited at this time, the clinical significance of this alteration remains unclear.